The following is an entry in ClinVar:

ClinVar aggregate classification (germline): Benign (1 of 4 stars; one submission).

Conditions:
Lynch syndrome 4 (LYNCH4). Also called: Colorectal cancer, hereditary nonpolyposis, type 4; Hereditary non-polyposis colorectal cancer, type 4. Identifiers: Orphanet 144, MedGen C1838333, MONDO:0013699, OMIM 614337. Disease mechanism: loss of function.

Submission:

Myriad Genetics, Inc.
Classification: Benign for Lynch syndrome 4. Last evaluated: 2025-01-28. Review status: criteria provided, single submitter. Criteria: Myriad Autosomal Dominant, Autosomal Recessive and X-Linked Classification Criteria (2023). Collection method: clinical testing. Allele origin: unknown.
Comment: This variant is considered benign. This variant is intronic and is not expected to impact mRNA splicing.

NM_000535.7(PMS2):c.804-40C>G

Gene: PMS2 (PMS1 homolog 2, mismatch repair system component; minus strand). Cytogenetic location: 7p22.1.
Variant type: single nucleotide variant.
Coding change: c.804-40C>G on transcript NM_000535.7 (MANE Select); 40 bases into the intron before coding-DNA position 804, C replaced by G.
Molecular consequence: intron variant.
Genome position (GRCh38, 1-based): chr7:5,995,673, G>C on the plus strand (C>G on the coding strand, the complement: PMS2 is on the minus strand). VCF-style: chr7-5995673-G-C. GRCh37 (hg19) VCF-style: chr7-6035304-G-C.
Other names: c.486-40C>G (NM_001322008.2, NM_001406902.1, NM_001406883.1 and 4 more transcripts); c.495-40C>G (NM_001406881.1, NM_001406879.1, NM_001322015.2 and 6 more transcripts); c.399-40C>G (NM_001406895.1, NM_001322010.2, NM_001322004.2 and 19 more transcripts); c.133-3616C>G (NM_001406911.1); c.291-40C>G (NM_001406904.1, NM_001406905.1); c.231-40C>G (NM_001322013.2, NM_001406909.1); c.-130-40C>G (NM_001322012.2, NM_001322011.2); c.468-40C>G (NM_001406885.1); and 8 more.
Identifiers: ClinVar variation 3903730 (VCV003903730.1).
Genomic context (GRCh38, chr7:5,995,673, plus strand): 5'-TGTGAAATGAAACCTGAGATGCTATTCAACATTAATATGGTAAGGGCAGGATTCCAGAGT[G>C]AAAGGGATTAGAAATACGATCACATGGCACATTCTTAAAGTGAAATGAAAACAAAACACC-3'